The following is an entry in ClinVar:

ClinVar aggregate classification (germline): Benign (1 of 4 stars; one submission).

Conditions:
Melanoma, cutaneous malignant, susceptibility to, 3. Also called: Cutaneous malignant melanoma 3. Identifiers: Orphanet 618, MedGen C1836892, MONDO:0012183, OMIM 609048.

gnomAD v4.1: 2 of 1,614,178 alleles (0.00012%); highest among the groups gnomAD compares: South Asian, 0.0011%; no homozygotes.

Submission:

Myriad Genetics, Inc.
Classification: Benign for Melanoma, cutaneous malignant, susceptibility to, 3. Last evaluated: 2024-09-26. Review status: criteria provided, single submitter. Criteria: Myriad Autosomal Dominant, Autosomal Recessive and X-Linked Classification Criteria (2023). Collection method: clinical testing. Allele origin: unknown.
Comment: This variant is considered benign. This variant is a silent/synonymous amino acid change and it is not expected to impact splicing.

NM_000075.4(CDK4):c.672C>A (p.Gly224=)

Genes: TSPAN31 (tetraspanin 31; plus strand), CDK4 (cyclin dependent kinase 4; minus strand). Cytogenetic location: 12q14.1.
Variant type: single nucleotide variant.
Coding change: c.672C>A on transcript NM_000075.4 (MANE Select); coding-DNA position 672, C replaced by A.
Protein change: p.Gly224=; no amino-acid change (glycine 224 retained).
Molecular consequence: synonymous variant. On other transcripts: 3 prime UTR variant (3).
Genome position (GRCh38, 1-based): chr12:57,749,465, G>T on the plus strand (C>A on the coding strand, the complement: CDK4 is on the minus strand). VCF-style: chr12-57749465-G-T. GRCh37 (hg19) VCF-style: chr12-58143248-G-T.
Other names: c.*2175G>T (NM_001330168.2, NM_001330169.2, NM_005981.5).
Identifiers: ClinVar variation 3378450 (VCV003378450.1).